The following is an entry in ClinVar:

ClinVar aggregate classification (germline): Benign/Likely benign. Review status: criteria provided, multiple submitters, no conflicts (2 of 4 stars). 4 submissions from 4 submitters: Benign (2); Likely benign (2). Last evaluated 2024-09-12.

Conditions:
Hereditary cancer-predisposing syndrome. Also called: Tumor predisposition; Neoplastic Syndromes, Hereditary; Hereditary Cancer Syndrome; Hereditary neoplastic syndrome. Identifiers: Orphanet 140162, MedGen C0027672, MeSH D009386, MONDO:0015356.
Hereditary diffuse gastric adenocarcinoma (HDGC). Also called: DIFFUSE GASTRIC AND LOBULAR BREAST CANCER SYNDROME. Identifiers: Orphanet 26106, MedGen C1708349, MONDO:0007648, OMIM 137215.

Allele frequency attached by ClinVar (database versions not stated): gnomAD below 0.00001 and 0.00001; ExAC 0.00002; gnomAD exomes 0.00002.
gnomAD v4.1: 22 of 1,614,068 alleles (0.0014%); highest among the groups gnomAD compares: South Asian, 0.021%; no homozygotes.

Submissions (4):

Myriad Genetics, Inc.
Classification: Benign for Hereditary diffuse gastric adenocarcinoma. Last evaluated: 2024-09-12. Review status: criteria provided, single submitter. Criteria: Myriad Autosomal Dominant, Autosomal Recessive and X-Linked Classification Criteria (2023). Collection method: clinical testing. Allele origin: unknown.
Comment: This variant is considered benign. This variant is a silent/synonymous amino acid change and it is not expected to impact splicing.

Labcorp Genetics (formerly Invitae), Labcorp
Classification: Likely benign for Hereditary diffuse gastric adenocarcinoma. Last evaluated: 2023-07-16. Review status: criteria provided, single submitter. Criteria: Invitae Variant Classification Sherloc (09022015). Collection method: clinical testing. Allele origin: germline.

Quest Diagnostics Nichols Institute San Juan Capistrano
Classification: Benign. Last evaluated: 2023-07-06. Review status: criteria provided, single submitter. Criteria: Quest Diagnostics criteria. Collection method: clinical testing. Allele origin: unknown.

Ambry Genetics
Classification: Likely benign for Hereditary cancer-predisposing syndrome. Last evaluated: 2016-07-26. Review status: criteria provided, single submitter. Criteria: Ambry Variant Classification Scheme 2023. Collection method: clinical testing. Allele origin: germline.

NM_004360.5(CDH1):c.243T>C (p.Gly81=)

Gene: CDH1 (cadherin 1; plus strand). Cytogenetic location: 16q22.1.
Variant type: single nucleotide variant.
Coding change: c.243T>C on transcript NM_004360.5 (MANE Select); coding-DNA position 243, T replaced by C.
Protein change: p.Gly81=; no amino-acid change (glycine 81 retained).
Molecular consequence: synonymous variant. On other transcripts: 5 prime UTR variant (2).
Genome position (GRCh38, 1-based): chr16:68,801,749, T>C. VCF-style: chr16-68801749-T-C. GRCh37 (hg19) VCF-style: chr16-68835652-T-C.
Other names: c.243T>C (LRG_301t1, NM_004360.4); c.243T>C, p.Gly81= (NM_001317184.2); c.-1373T>C (NM_001317185.2); c.-1577T>C (NM_001317186.2).
Identifiers: ClinVar variation 414068 (VCV000414068.17), dbSNP rs765879351, ClinGen allele CA8129816.